The following is an entry in ClinVar:

ClinVar aggregate classification (germline): Conflicting classifications of pathogenicity. Review status: criteria provided, conflicting classifications (1 of 4 stars). 5 submissions from 5 submitters: Uncertain significance (2); Benign (2); Likely benign (1). Last evaluated 2025-10-25.

Conditions:
SYNE1-related disorder. Also called: SYNE1-related disease; SYNE1-related condition; SYNE1-related disorders.
Emery-Dreifuss muscular dystrophy 4, autosomal dominant (EDMD4). Also called: EMERY-DREIFUSS MUSCULAR DYSTROPHY 4 WITH VARIABLE FEATURES. Identifiers: Orphanet 261, MedGen C2751807, MONDO:0013071, OMIM 612998.
Autosomal recessive ataxia, Beauce type. Also called: SYNE1 Deficiency; SYNE1-Related Autosomal Recessive Cerebellar Ataxia; ATAXIA, RECESSIVE, OF BEAUCE; Spinocerebellar ataxia, autosomal recessive 8. Identifiers: Orphanet 88644, MedGen C1853116, MONDO:0012549, OMIM 610743.

Allele frequency attached by ClinVar (database versions not stated): gnomAD exomes 0.00004 and 0.00015; ExAC 0.00021; gnomAD 0.00052 and 0.00054; 1000 Genomes Project 30x 0.00062; TOPMed 0.00062; ESP Exome Variant Server 0.00069; 1000 Genomes Project 0.00080.
gnomAD v4.1: 132 of 1,611,316 alleles (0.0082%); highest among the groups gnomAD compares: African/African-American, 0.17%; no homozygotes.

Submissions (5):

Labcorp Genetics (formerly Invitae), Labcorp
Classification: Benign for Emery-Dreifuss muscular dystrophy 4, autosomal dominant; Autosomal recessive ataxia, Beauce type. Last evaluated: 2025-10-25. Review status: criteria provided, single submitter. Criteria: Invitae Variant Classification Sherloc (09022015). Collection method: clinical testing. Allele origin: germline.

Athena Diagnostics
Classification: Benign. Last evaluated: 2025-09-04. Review status: criteria provided, single submitter. Criteria: Athena Diagnostics Criteria. Collection method: clinical testing. Allele origin: unknown.
Comment: The frequency of this variant in the general population is higher than would generally be expected for pathogenic variants in this gene. Computational tools yielded predictions that this variant is unlikely to have an effect on normal RNA splicing. This nucleotide position exhibits low evolutionary conservation.

PreventionGenetics, part of Exact Sciences
Classification: Likely benign for SYNE1-related condition. Last evaluated: 2025-07-02. Review status: criteria provided, single submitter. Criteria: ACMG Guidelines, 2015. Collection method: clinical testing. Allele origin: germline.
Comment: This variant is classified as likely benign based on ACMG/AMP sequence variant interpretation guidelines (Richards et al. 2015 PMID: 25741868, with internal and published modifications).

Eurofins Ntd Llc (ga)
Classification: Uncertain significance. Last evaluated: 2017-07-17. Review status: criteria provided, single submitter. Criteria: EGL Classification Definitions 2015. Collection method: clinical testing. Allele origin: germline. Observed: 3 variant alleles, 3 heterozygotes.

CeGaT Center for Human Genetics Tuebingen
Classification: Uncertain significance. Last evaluated: 2016-06-01. Review status: criteria provided, single submitter. Criteria: CeGaT Center For Human Genetics Tuebingen Variant Classification Criteria Version 2. Collection method: clinical testing. Allele origin: germline. Affected: yes. Observed: 1 variant allele.

NM_182961.4(SYNE1):c.1730-7G>A

Gene: SYNE1 (spectrin repeat containing nuclear envelope protein 1; minus strand). Cytogenetic location: 6q25.2.
Variant type: single nucleotide variant.
Coding change: c.1730-7G>A on transcript NM_182961.4 (MANE Select); 7 bases into the intron before coding-DNA position 1730, G replaced by A.
Molecular consequence: intron variant.
Genome position (GRCh38, 1-based): chr6:152,465,467, C>T on the plus strand (G>A on the coding strand, the complement: SYNE1 is on the minus strand). VCF-style: chr6-152465467-C-T. GRCh37 (hg19) VCF-style: chr6-152786602-C-T.
Other names: c.1751-7G>A (NM_033071.5).
Identifiers: ClinVar variation 289959 (VCV000289959.59), dbSNP rs367603152, ClinGen allele CA4059309.